The following is an entry in ClinVar:

NM_032043.3(BRIP1):c.2906-18A>G

Gene: BRIP1 (BRCA1 interacting DNA helicase 1; minus strand). Cytogenetic location: 17q23.2.
Variant type: single nucleotide variant.
Coding change: c.2906-18A>G on transcript NM_032043.3 (MANE Select); 18 bases into the intron before coding-DNA position 2906, A replaced by G.
Molecular consequence: intron variant.
Genome position (GRCh38, 1-based): chr17:61,684,158, T>C on the plus strand (A>G on the coding strand, the complement: BRIP1 is on the minus strand). VCF-style: chr17-61684158-T-C. GRCh37 (hg19) VCF-style: chr17-59761519-T-C.
Identifiers: ClinVar variation 2011364 (VCV002011364.5), dbSNP rs2144094831, ClinGen allele CA2580094583.

ClinVar aggregate classification (germline): Likely benign. Review status: criteria provided, multiple submitters, no conflicts (2 of 4 stars). 2 submissions from 2 submitters: Likely benign (2). Last evaluated 2024-09-09.

Conditions:
Familial cancer of breast. Also called: hereditary breast carcinoma; BREAST CANCER, FAMILIAL; Hereditary breast cancer. Identifiers: Orphanet 227535, MedGen C0346153, MONDO:0016419, OMIM 114480. Disease mechanism: loss of function.
Fanconi anemia complementation group J. Also called: BRIP1-Related Fanconi Anemia. Identifiers: Orphanet 84, MedGen C1836860, MONDO:0012187, OMIM 609054.

Submissions (2):

Myriad Genetics, Inc.
Classification: Likely benign for Familial cancer of breast. Last evaluated: 2024-09-09. Review status: criteria provided, single submitter. Criteria: Myriad Autosomal Dominant, Autosomal Recessive and X-Linked Classification Criteria (2023). Collection method: clinical testing. Allele origin: unknown.
Comment: This variant is considered likely benign. This variant is intronic and is not expected to impact mRNA splicing.

Labcorp Genetics (formerly Invitae), Labcorp
Classification: Likely benign for Familial cancer of breast; Fanconi anemia complementation group J. Last evaluated: 2022-07-16. Review status: criteria provided, single submitter. Criteria: Invitae Variant Classification Sherloc (09022015). Collection method: clinical testing. Allele origin: germline.